The following is an entry in ClinVar:

NM_006494.4(ERF):c.1372C>T (p.Arg458Cys)

Gene: ERF (ETS2 repressor factor; minus strand). Cytogenetic location: 19q13.2.
Variant type: single nucleotide variant.
Coding change: c.1372C>T on transcript NM_006494.4 (MANE Select); coding-DNA position 1372, C replaced by T.
Protein change: p.Arg458Cys; replaces arginine 458 with cysteine.
Molecular consequence: missense variant.
Genome position (GRCh38, 1-based): chr19:42,248,740, G>A on the plus strand (C>T on the coding strand, the complement: ERF is on the minus strand). VCF-style: chr19-42248740-G-A. GRCh37 (hg19) VCF-style: chr19-42752892-G-A.
Other names: c.1372C>T (NM_006494.2); c.1147C>T, p.Arg383Cys (NM_001301035.2, NM_001308402.2, NM_001312656.2); short protein forms R458C, R383C.
Identifiers: ClinVar variation 2889188 (VCV002889188.4), dbSNP rs766642440, ClinGen allele CA9471180.

ClinVar aggregate classification (germline): Conflicting classifications of pathogenicity. Review status: criteria provided, conflicting classifications (1 of 4 stars). 2 submissions from 2 submitters: Uncertain significance (1); Likely benign (1). Last evaluated 2024-12-16.

Conditions:
Inborn genetic diseases. Identifiers: MedGen C0950123, MeSH D030342.
TWIST1-related craniosynostosis (CRS1). Also called: CRANIOSYNOSTOSIS 1. Identifiers: Orphanet 63440, MedGen C4551902, MONDO:0007399, OMIM 123100. Inheritance: Heterogenous inheritance pattern.

Submissions (2):

Labcorp Genetics (formerly Invitae), Labcorp
Classification: Uncertain significance for TWIST1-related craniosynostosis. Last evaluated: 2024-12-16. Review status: criteria provided, single submitter. Criteria: Invitae Variant Classification Sherloc (09022015). Collection method: clinical testing. Allele origin: germline.
Comment: This sequence change replaces arginine, which is basic and polar, with cysteine, which is neutral and slightly polar, at codon 458 of the ERF protein (p.Arg458Cys). This variant is present in population databases (rs766642440, gnomAD 0.007%). This variant has not been reported in the literature in individuals affected with ERF-related conditions. ClinVar contains an entry for this variant (Variation ID: 2889188). Invitae Evidence Modeling of protein sequence and biophysical properties (such as structural, functional, and spatial information, amino acid conservation, physicochemical variation, residue mobility, and thermodynamic stability) indicates that this missense variant is not expected to disrupt ERF protein function with a negative predictive value of 95%. In summary, the available evidence is currently insufficient to determine the role of this variant in disease. Therefore, it has been classified as a Variant of Uncertain Significance.

Ambry Genetics
Classification: Likely benign for Inborn genetic diseases. Last evaluated: 2024-06-10. Review status: criteria provided, single submitter. Criteria: Ambry Variant Classification Scheme 2023. Collection method: clinical testing. Allele origin: germline.